The following is an entry in ClinVar:

NM_000142.5(FGFR3):c.1238A>G (p.Lys413Arg)

Gene: FGFR3 (fibroblast growth factor receptor 3; plus strand). Cytogenetic location: 4p16.3.
Variant type: single nucleotide variant.
Coding change: c.1238A>G on transcript NM_000142.5 (MANE Select); coding-DNA position 1238, A replaced by G.
Protein change: p.Lys413Arg; replaces lysine 413 with arginine.
Molecular consequence: missense variant. On other transcripts: non-coding transcript variant (1), intron variant (1).
Genome position (GRCh38, 1-based): chr4:1,804,492, A>G. VCF-style: chr4-1804492-A-G. GRCh37 (hg19) VCF-style: chr4-1806219-A-G.
Other names: c.1244A>G, p.Lys415Arg (NM_001163213.2); c.1238A>G, p.Lys413Arg (NM_001354809.2, NM_001354810.2); c.931-332A>G (NM_022965.4); short protein forms K415R, K413R.
Identifiers: ClinVar variation 950055 (VCV000950055.10), dbSNP rs767109009, ClinGen allele CA2810317.

ClinVar aggregate classification (germline): Uncertain significance (1 of 4 stars; one submission).

Allele frequency attached by ClinVar (database versions not stated): TOPMed below 0.00001; ExAC 0.00001; gnomAD exomes 0.00001.

Submission:

Labcorp Genetics (formerly Invitae), Labcorp
Classification: Uncertain significance. Last evaluated: 2022-10-13. Review status: criteria provided, single submitter. Criteria: Invitae Variant Classification Sherloc (09022015). Collection method: clinical testing. Allele origin: germline.
Comment: In summary, the available evidence is currently insufficient to determine the role of this variant in disease. Therefore, it has been classified as a Variant of Uncertain Significance. Advanced modeling of protein sequence and biophysical properties (such as structural, functional, and spatial information, amino acid conservation, physicochemical variation, residue mobility, and thermodynamic stability) has been performed at Invitae for this missense variant, however the output from this modeling did not meet the statistical confidence thresholds required to predict the impact of this variant on FGFR3 protein function. ClinVar contains an entry for this variant (Variation ID: 950055). This variant has not been reported in the literature in individuals affected with FGFR3-related conditions. This variant is present in population databases (rs767109009, gnomAD 0.003%). This sequence change replaces lysine, which is basic and polar, with arginine, which is basic and polar, at codon 413 of the FGFR3 protein (p.Lys413Arg).